The following is an entry in ClinVar:

ClinVar aggregate classification (germline): Uncertain significance (1 of 4 stars; one submission).

Conditions:
Cardiovascular phenotype. Identifiers: MedGen CN230736.

Submission:

Ambry Genetics
Classification: Uncertain significance for Cardiovascular phenotype. Last evaluated: 2018-05-03. Review status: criteria provided, single submitter. Criteria: Ambry Variant Classification Scheme 2023. Collection method: clinical testing. Allele origin: germline.
Comment: The p.V10457M variant (also known as c.31369G>A), located in coding exon 125 of the TTN gene, results from a G to A substitution at nucleotide position 31369. The valine at codon 10457 is replaced by methionine, an amino acid with highly similar properties. This amino acid position is poorly conserved in available vertebrate species. In addition, this alteration is predicted to be tolerated by in silico analysis. Since supporting evidence is limited at this time, the clinical significance of this alteration remains unclear.

NM_001267550.2(TTN):c.58564G>A (p.Val19522Met)

Genes: TTN (titin; minus strand), TTN-AS1 (TTN antisense RNA 1; plus strand). Cytogenetic location: 2q31.2.
Variant type: single nucleotide variant.
Coding change: c.58564G>A on transcript NM_001267550.2 (MANE Select); coding-DNA position 58564, G replaced by A.
Protein change: p.Val19522Met; replaces valine 19522 with methionine.
Molecular consequence: missense variant.
Genome position (GRCh38, 1-based): chr2:178,593,736, C>T on the plus strand (G>A on the coding strand, the complement: TTN is on the minus strand). VCF-style: chr2-178593736-C-T. GRCh37 (hg19) VCF-style: chr2-179458463-C-T.
Other names: c.31369G>A, p.Val10457Met (NM_003319.4); c.50860G>A, p.Val16954Met (NM_133378.4); c.31744G>A, p.Val10582Met (NM_133432.3); c.31945G>A, p.Val10649Met (NM_133437.4); c.53641G>A, p.Val17881Met (NM_001256850.1); short protein forms V10582M, V17881M, V10457M, V10649M, V16954M, V19522M.
Identifiers: ClinVar variation 1728009 (VCV001728009.2), dbSNP rs2469595948, ClinGen allele CA349504500.